The following is an entry in ClinVar:

ClinVar aggregate classification (germline): Pathogenic/Likely pathogenic. Review status: criteria provided, multiple submitters, no conflicts (2 of 4 stars). 2 submissions from 2 submitters: Pathogenic (1); Likely pathogenic (1). Last evaluated 2021-10-05.

Conditions:
Gorlin syndrome. Also called: Nevoid Basal Cell Carcinoma Syndrome; Basal cell nevus syndrome. Identifiers: Orphanet 377, MedGen C0004779, MONDO:0007187.

Submissions (2):

Labcorp Genetics (formerly Invitae), Labcorp
Classification: Pathogenic for Gorlin syndrome. Last evaluated: 2021-10-05. Review status: criteria provided, single submitter. Criteria: Invitae Variant Classification Sherloc (09022015). Collection method: clinical testing. Allele origin: germline.
Comment: For these reasons, this variant has been classified as Pathogenic. This variant disrupts a region of the PTCH1 protein in which other variant(s) (p.Pro504Gln) have been determined to be pathogenic (Invitae). This suggests that this is a clinically significant region of the protein, and that variants that disrupt it are likely to be disease-causing. Disruption of this splice site has been observed in individual(s) with basal cell nevus syndrome (Invitae). ClinVar contains an entry for this variant (Variation ID: 373406). Studies have shown that disruption of this splice site results in skipping of exons 10 and 11, but is expected to preserve the integrity of the reading-frame (PMID: 18502968). This sequence change affects an acceptor splice site in intron 10 of the PTCH1 gene. RNA analysis indicates that disruption of this splice site induces altered splicing and likely results in a shortened protein product. This variant is not present in population databases (ExAC no frequency).

GeneDx
Classification: Likely pathogenic. Last evaluated: 2016-11-14. Review status: criteria provided, single submitter. Criteria: GeneDx Variant Classification (06012015). Collection method: clinical testing. Allele origin: germline. Affected: yes.
Comment: The c.1504-1G>C splice site variant in the PTCH1 gene has not been reported previously as a pathogenic variant, nor as a benign variant, to our knowledge. This variant destroys the canonical splice acceptor site in intron 11. It is predicted to cause abnormal gene splicing, either leading to an abnormal message that is subject to nonsense-mediated mRNA decay, or to an abnormal protein product if the message is used for protein translation. Based on currently available evidence, c.1504-1G>C is a strong candidate for a pathogenic variant. However, the possibility it is a rare benign variant cannot be excluded.

Literature cited by the submitters: PubMed 18502968 (cited by Labcorp Genetics (formerly Invitae), Labcorp).

NM_000264.5(PTCH1):c.1504-1G>C

Gene: PTCH1 (patched 1; minus strand). Cytogenetic location: 9q22.32.
Variant type: single nucleotide variant.
Coding change: c.1504-1G>C on transcript NM_000264.5 (MANE Select); the canonical splice acceptor site of the intron before coding-DNA position 1504, G replaced by C.
Molecular consequence: splice acceptor variant.
Genome position (GRCh38, 1-based): chr9:95,476,858, C>G on the plus strand (G>C on the coding strand, the complement: PTCH1 is on the minus strand). VCF-style: chr9-95476858-C-G. GRCh37 (hg19) VCF-style: chr9-98239140-C-G.
Other names: c.1501-1G>C (NM_001083603.3); c.1306-1G>C (NM_001083602.3); c.1348-1G>C (NM_001354918.2); c.1051-1G>C (NM_001083605.3, NM_001083604.3, NM_001083606.3 and 1 more transcripts).
Identifiers: ClinVar variation 373406 (VCV000373406.7), dbSNP rs1057518400, ClinGen allele CA16042793.
Genomic context (GRCh38, chr9:95,476,858, plus strand): 5'-GGCGTGGGCCAGAAGAAAAACATCATCCACACCAACACCAAGAGCGAGAAATGGCAAAAC[C>G]TACAGCAAAAACAGAGGATGGTGGCATTAGACATGCGAGATGCAATTCAGATGATTCTAA-3'